The following is an entry in ClinVar:

NM_000435.3(NOTCH3):c.485G>A (p.Cys162Tyr)

Gene: NOTCH3 (notch receptor 3; minus strand). Cytogenetic location: 19p13.12.
Variant type: single nucleotide variant.
Coding change: c.485G>A on transcript NM_000435.3 (MANE Select); coding-DNA position 485, G replaced by A.
Protein change: p.Cys162Tyr; replaces cysteine 162 with tyrosine.
Molecular consequence: missense variant.
Genome position (GRCh38, 1-based): chr19:15,192,154, C>T on the plus strand (G>A on the coding strand, the complement: NOTCH3 is on the minus strand). VCF-style: chr19-15192154-C-T. GRCh37 (hg19) VCF-style: chr19-15302965-C-T.
Other names: short protein forms C162Y.
Identifiers: ClinVar variation 4682149 (VCV004682149.1).

ClinVar aggregate classification (germline): Pathogenic (1 of 4 stars; one submission).

Submission:

Athena Diagnostics
Classification: Pathogenic. Last evaluated: 2025-01-31. Review status: criteria provided, single submitter. Criteria: Athena Diagnostics Criteria. Collection method: clinical testing. Allele origin: unknown.
Comment: This variant alters a critical location within the protein, and is expected to severely affect function and cause disease. This variant has not been reported in large, multi-ethnic general populations. This variant has been identified in at least one individual with clinical features associated with CADASIL. Greater than 90% of NOTCH3 pathogenic variants associated with CADASIL involve the gain or loss of a cysteine residue within the epidermal growth factor (EGF)-like repeat domain (PMID: 32457593, 20301673).

Literature cited by the submitters: PubMed 27890607; PubMed 39283294; PubMed 38790158.